The following is an entry in ClinVar:

ClinVar aggregate classification (germline): Pathogenic (1 of 4 stars; one submission).

Conditions:
Nephronophthisis. Also called: Juvenile Nephronophthisis. Identifiers: Orphanet 655, MedGen C0687120, MONDO:0019005, HP:0000090.

Submission:

Labcorp Genetics (formerly Invitae), Labcorp
Classification: Pathogenic for Nephronophthisis. Last evaluated: 2023-07-10. Review status: criteria provided, single submitter. Criteria: Invitae Variant Classification Sherloc (09022015). Collection method: clinical testing. Allele origin: germline.
Comment: This variant is not present in population databases (gnomAD no frequency). For these reasons, this variant has been classified as Pathogenic. This variant has not been reported in the literature in individuals affected with NPHP4-related conditions. This sequence change creates a premature translational stop signal (p.Pro572Argfs*55) in the NPHP4 gene. It is expected to result in an absent or disrupted protein product. Loss-of-function variants in NPHP4 are known to be pathogenic (PMID: 12205563, 23559409).

Literature cited by the submitters: PubMed 12205563; PubMed 23559409.

NM_015102.5(NPHP4):c.1715del (p.Pro572fs)

Gene: NPHP4 (nephrocystin 4; minus strand). Cytogenetic location: 1p36.31.
Variant type: Deletion.
Coding change: c.1715del on transcript NM_015102.5 (MANE Select); coding-DNA position 1715, one base deleted (C; older notation c.1715delC).
Protein change: p.Pro572fs; shifts the reading frame from proline 572.
Molecular consequence: frameshift variant. On other transcripts: non-coding transcript variant (1).
Genome position (GRCh38, 1-based): chr1:5,905,680, G deleted on the plus strand (C on the coding strand, the reverse complement: NPHP4 is on the minus strand); the first of 2 consecutive G bases (chr1:5,905,680-5,905,681); deleting either gives the same sequence. VCF-style (leftmost placement, unchanged base first): chr1-5905679-CG-C. GRCh37 (hg19) VCF-style: chr1-5965739-CG-C.
Other names: c.176del, p.Pro59fs (NM_001291593.2); c.179del, p.Pro60fs (NM_001291594.2); short protein forms P59fs, P60fs, P572fs.
Identifiers: ClinVar variation 2740919 (VCV002740919.3), dbSNP rs2521518413, ClinGen allele CA2697552152.